The following is an entry in ClinVar:

NM_183235.3(RAB27A):c.337T>C (p.Trp113Arg)

Gene: RAB27A (RAB27A, member RAS oncogene family; minus strand). Cytogenetic location: 15q21.3.
Variant type: single nucleotide variant.
Coding change: c.337T>C on transcript NM_183235.3 (MANE Select); coding-DNA position 337, T replaced by C.
Protein change: p.Trp113Arg; replaces tryptophan 113 with arginine.
Molecular consequence: missense variant.
Genome position (GRCh38, 1-based): chr15:55,228,615, A>G on the plus strand (T>C on the coding strand, the complement: RAB27A is on the minus strand). VCF-style: chr15-55228615-A-G. GRCh37 (hg19) VCF-style: chr15-55520813-A-G.
Other names: c.337T>C, p.Trp113Arg (NM_004580.5, NM_183234.3, NM_183236.3); short protein forms W113R.
Identifiers: ClinVar variation 2435350 (VCV002435350.6), dbSNP rs2542776752, ClinGen allele CA392530343.

ClinVar aggregate classification (germline): Uncertain significance. Review status: criteria provided, multiple submitters, no conflicts (2 of 4 stars). 2 submissions from 2 submitters: Uncertain significance (2). Last evaluated 2023-09-13.

Conditions:
Griscelli syndrome type 2 (GS2). Also called: GRISCELLI SYNDROME WITH HEMOPHAGOCYTIC SYNDROME; PAID SYNDROME; PARTIAL ALBINISM AND IMMUNODEFICIENCY SYNDROME. Identifiers: Orphanet 381, Orphanet 79477, MedGen C1868679, MONDO:0011872, OMIM 607624.

Submissions (2):

Labcorp Genetics (formerly Invitae), Labcorp
Classification: Uncertain significance for Griscelli syndrome type 2. Last evaluated: 2023-09-13. Review status: criteria provided, single submitter. Criteria: Invitae Variant Classification Sherloc (09022015). Collection method: clinical testing. Allele origin: germline.
Comment: Advanced modeling of protein sequence and biophysical properties (such as structural, functional, and spatial information, amino acid conservation, physicochemical variation, residue mobility, and thermodynamic stability) performed at Invitae indicates that this missense variant is expected to disrupt RAB27A protein function. In summary, the available evidence is currently insufficient to determine the role of this variant in disease. Therefore, it has been classified as a Variant of Uncertain Significance. ClinVar contains an entry for this variant (Variation ID: 2435350). This variant has not been reported in the literature in individuals affected with RAB27A-related conditions. This variant is not present in population databases (gnomAD no frequency). This sequence change replaces tryptophan, which is neutral and slightly polar, with arginine, which is basic and polar, at codon 113 of the RAB27A protein (p.Trp113Arg).

Revvity Omics, Revvity
Classification: Uncertain significance for Griscelli syndrome type 2. Last evaluated: 2021-12-23. Review status: criteria provided, single submitter. Criteria: ACMG Guidelines, 2015. Collection method: clinical testing. Allele origin: germline.